The following is an entry in ClinVar:

ClinVar aggregate classification (germline): Uncertain significance (1 of 4 stars; one submission).

Conditions:
Dilated cardiomyopathy 1J (CMD1J). Also called: CARDIOMYOPATHY, DILATED, WITH SENSORINEURAL HEARING LOSS, AUTOSOMAL DOMINANT. Identifiers: Orphanet 217622, MedGen C1854368, MONDO:0011541, OMIM 605362.

gnomAD v4.1: 2 of 1,608,942 alleles (0.00012%); highest among the groups gnomAD compares: African/African-American, 0.0027%; no homozygotes.

Submission:

Labcorp Genetics (formerly Invitae), Labcorp
Classification: Uncertain significance for Dilated cardiomyopathy 1J. Last evaluated: 2024-03-18. Review status: criteria provided, single submitter. Criteria: Invitae Variant Classification Sherloc (09022015). Collection method: clinical testing. Allele origin: germline.
Comment: This sequence change replaces threonine, which is neutral and polar, with lysine, which is basic and polar, at codon 15 of the EYA4 protein (p.Thr15Lys). This variant is not present in population databases (gnomAD no frequency). This variant has not been reported in the literature in individuals affected with EYA4-related conditions. ClinVar contains an entry for this variant (Variation ID: 1015905). An algorithm developed to predict the effect of missense changes on protein structure and function (PolyPhen-2) suggests that this variant is likely to be tolerated. In summary, the available evidence is currently insufficient to determine the role of this variant in disease. Therefore, it has been classified as a Variant of Uncertain Significance.

NM_004100.5(EYA4):c.44C>A (p.Thr15Lys)

Gene: EYA4 (EYA transcriptional coactivator and phosphatase 4; plus strand). Cytogenetic location: 6q23.2.
Variant type: single nucleotide variant.
Coding change: c.44C>A on transcript NM_004100.5 (MANE Select); coding-DNA position 44, C replaced by A.
Protein change: p.Thr15Lys; replaces threonine 15 with lysine.
Molecular consequence: missense variant.
Genome position (GRCh38, 1-based): chr6:133,382,402, C>A. VCF-style: chr6-133382402-C-A. GRCh37 (hg19) VCF-style: chr6-133703540-C-A.
Other names: c.44C>A, p.Thr15Lys (NM_001301012.2, NM_001301013.2, NM_001370458.1 and 3 more transcripts); short protein forms T15K.
Identifiers: ClinVar variation 1015905 (VCV001015905.10), dbSNP rs769070323, ClinGen allele CA365837797.